The following is an entry in ClinVar:

NM_000268.4(NF2):c.253G>C (p.Asp85His)

Gene: NF2 (NF2, moesin-ezrin-radixin like (MERLIN) tumor suppressor; plus strand). Cytogenetic location: 22q12.2.
Variant type: single nucleotide variant.
Coding change: c.253G>C on transcript NM_000268.4 (MANE Select); coding-DNA position 253, G replaced by C.
Protein change: p.Asp85His; replaces aspartic acid 85 with histidine.
Molecular consequence: missense variant. On other transcripts: non-coding transcript variant (1), intron variant (3).
Genome position (GRCh38, 1-based): chr22:29,639,102, G>C. VCF-style: chr22-29639102-G-C. GRCh37 (hg19) VCF-style: chr22-30035091-G-C.
Other names: c.253G>C, p.Asp85His (NM_016418.5, NM_181825.3, NM_181832.3 and 1 more transcripts); c.127G>C, p.Asp43His (NM_181828.3); c.240+2226G>C (NM_181829.3); c.115-3100G>C (NM_181830.3, NM_181831.3); short protein forms D43H, D85H.
Identifiers: ClinVar variation 1026668 (VCV001026668.9), dbSNP rs2065728465, ClinGen allele CA411153021.

ClinVar aggregate classification (germline): Uncertain significance (1 of 4 stars; one submission).

Conditions:
Neurofibromatosis, type 2 (SWNV). Also called: BILATERAL ACOUSTIC NEUROFIBROMATOSIS; SCHWANNOMATOSIS, VESTIBULAR; NF2-Related Schwannomatosis. Identifiers: Orphanet 637, MedGen C0027832, MONDO:0007039, OMIM 101000. Disease mechanism: loss of function.

Submission:

Labcorp Genetics (formerly Invitae), Labcorp
Classification: Uncertain significance for Neurofibromatosis, type 2. Last evaluated: 2020-06-12. Review status: criteria provided, single submitter. Criteria: Invitae Variant Classification Sherloc (09022015). Collection method: clinical testing. Allele origin: germline.
Comment: Algorithms developed to predict the effect of missense changes on protein structure and function are either unavailable or do not agree on the potential impact of this missense change (SIFT: "Deleterious"; PolyPhen-2: "Probably Damaging"; Align-GVGD: "Class C0"). This variant has not been reported in the literature in individuals with NF2-related conditions. This variant is not present in population databases (ExAC no frequency). This sequence change replaces aspartic acid with histidine at codon 85 of the NF2 protein (p.Asp85His). The aspartic acid residue is highly conserved and there is a moderate physicochemical difference between aspartic acid and histidine. In summary, the available evidence is currently insufficient to determine the role of this variant in disease. Therefore, it has been classified as a Variant of Uncertain Significance.